The following is an entry in ClinVar:

ClinVar aggregate classification (germline): Uncertain significance (1 of 4 stars; one submission).

gnomAD v4.1: 765 of 1,614,004 alleles (0.047%); highest among the groups gnomAD compares: African/African-American, 0.86%; 3 homozygotes.

Submissions (3):

Ambry Genetics
Classification: Uncertain significance. Last evaluated: 2025-08-21. Review status: criteria provided, single submitter. Criteria: Ambry Variant Classification Scheme 2023. Collection method: clinical testing. Allele origin: germline.
Comment: The c.2117G>T (p.G706V) alteration is located in exon (coding exon ) of the SH3RF3 gene. This alteration results from a G to T substitution at nucleotide position 2117, causing the glycine (G) at amino acid position 706 to be replaced by a valine (V). Based on insufficient or conflicting evidence, the clinical significance of this alteration remains unclear.

Dr. Peter K. Rogan Lab, Western University
No classification provided (evidence only). Condition: Clear cell carcinoma of kidney. Review status: no classification provided. Collection method: in vitro. Allele origin: not applicable. Functional consequence: retained intron. Not counted in ClinVar's aggregate classification.

Dr. Peter K. Rogan Lab, Western University
No classification provided (evidence only). Condition: Thymoma. Review status: no classification provided. Collection method: in vitro. Allele origin: not applicable. Functional consequence: retained intron. Not counted in ClinVar's aggregate classification.

NM_001099289.3(SH3RF3):c.2117G>T (p.Gly706Val)

Genes: RANBP2 (RAN binding protein 2; plus strand), SH3RF3 (SH3 domain containing ring finger 3; plus strand). Cytogenetic location: 2q13.
Variant type: single nucleotide variant.
Coding change: c.2117G>T on transcript NM_001099289.3 (MANE Select); coding-DNA position 2117, G replaced by T.
Protein change: p.Gly706Val; replaces glycine 706 with valine.
Molecular consequence: missense variant.
Genome position (GRCh38, 1-based): chr2:109,449,458, G>T. VCF-style: chr2-109449458-G-T. GRCh37 (hg19) VCF-style: chr2-110065914-G-T.
Other names: NC_000002.11:g.110065914G>T; short protein forms G706V.
Identifiers: ClinVar variation 4164367 (VCV004164367.2).
Genomic context (GRCh38, chr2:109,449,458, plus strand): 5'-ACGGGGAGGCTGGAGGGGGGCCCATCGGTGTTCTGTCCACATCCAGCCCCACCAACACGG[G>T]ATGCAAACTAGACGAGAAGAAAAGTGAAAAGGTAAGAGGCCCATCCTGGACGAGCCCTGG-3'
Protein context (NP_001092759.1, residues 696-716): VLSTSSPTNT[Gly706Val]CKLDEKKSEK